The following is an entry in ClinVar:

NM_001267550.2(TTN):c.72365_72374delinsTTGAAGG (p.Arg24122_Pro24125delinsIleGluGly)

Genes: TTN (titin; minus strand), TTN-AS1 (TTN antisense RNA 1; plus strand). Cytogenetic location: 2q31.2.
Variant type: Indel.
Coding change: c.72365_72374delinsTTGAAGG on transcript NM_001267550.2 (MANE Select); coding-DNA positions 72365 to 72374, GACCAGGCCC replaced by TTGAAGG.
Protein change: p.Arg24122_Pro24125delinsIleGluGly.
Molecular consequence: inframe indel.
Genome position (GRCh38, 1-based): chr2:178,573,758-178,573,767, GGGCCTGGTC replaced by CCTTCAA on the plus strand (GACCAGGCCC replaced by TTGAAGG on the coding strand, the reverse complement: TTN is on the minus strand). VCF-style: chr2-178573758-GGGCCTGGTC-CCTTCAA. GRCh37 (hg19) VCF-style: chr2-179438485-GGGCCTGGTC-CCTTCAA.
Other names: c.67442_67451delinsTTGAAGG, p.Arg22481_Pro22484delinsIleGluGly (NM_001256850.1); c.45170_45179delinsTTGAAGG, p.Arg15057_Pro15060delinsIleGluGly (NM_003319.4); c.64661_64670delinsTTGAAGG, p.Arg21554_Pro21557delinsIleGluGly (NM_133378.4); c.45545_45554delinsTTGAAGG, p.Arg15182_Pro15185delinsIleGluGly (NM_133432.3); c.45746_45755delinsTTGAAGG, p.Arg15249_Pro15252delinsIleGluGly (NM_133437.4); c.45170_45179del10insTTGAAGG (NM_003319.4).
Identifiers: ClinVar variation 3330078 (VCV003330078.1).

ClinVar aggregate classification (germline): Uncertain significance (1 of 4 stars; one submission).

Conditions:
Cardiovascular phenotype. Identifiers: MedGen CN230736.

Submission:

Ambry Genetics
Classification: Uncertain significance for Cardiovascular phenotype. Last evaluated: 2024-04-10. Review status: criteria provided, single submitter. Criteria: Ambry Variant Classification Scheme 2023. Collection method: clinical testing. Allele origin: germline.
Comment: The c.45170_45179del10insTTGAAGG variant, located in coding exon 153 of the TTN gene, results from an in-frame deletion of GACCAGGCCC and insertion of TTGAAGG at nucleotide positions 45170 to 45179. This results in the substitution of three residues at codons 15057 to 15060. This amino acid position is highly conserved in available vertebrate species. In addition, this alteration is predicted to be deleterious by in silico analysis (Choi Y et al. PLoS ONE. 2012; 7(10):e46688). Based on the available evidence, the clinical significance of this variant remains unclear.